The following is an entry in ClinVar:

ClinVar aggregate classification (germline): Pathogenic (1 of 4 stars; one submission).

Conditions:
Multiple endocrine neoplasia, type 1 (MEN1). Also called: MEA I; MEN I; WERMER SYNDROME; Endocrine adenomatosis multiple; MEN 1. Identifiers: Orphanet 652, MedGen C0025267, MeSH D018761, MONDO:0007540, OMIM 131100.

Submission:

Labcorp Genetics (formerly Invitae), Labcorp
Classification: Pathogenic for Multiple endocrine neoplasia, type 1. Last evaluated: 2022-07-13. Review status: criteria provided, single submitter. Criteria: Invitae Variant Classification Sherloc (09022015). Collection method: clinical testing. Allele origin: germline.
Comment: This variant is a gross deletion of the genomic region encompassing exon(s) 1-2 of the MEN1 gene, which includes the initiator codon. This deletion extends beyond the assayed region for this gene and therefore may encompass additional genes. It is expected to result in an absent or disrupted protein product. Loss-of-function variants in MEN1 are known to be pathogenic (PMID: 12112656, 17853334). A similar copy number variant has been observed in individual(s) with multipleendocrine neoplasia type 1 (PMID: 10993647, 19174080, 21627674). It has also been observed to segregate with disease in related individuals. For these reasons, this variant has been classified as Pathogenic.

Literature cited by the submitters: PubMed 12112656; PubMed 17853334; PubMed 10993647; PubMed 19174080; PubMed 21627674.

NC_000011.10:g.(?_64809655)_(64810716_?)del

Gene: MEN1 (menin 1; minus strand). Cytogenetic location: 11q13.1.
Variant type: Deletion.
Identifiers: ClinVar variation 833351 (VCV000833351.5).